The following is an entry in ClinVar:

NM_000202.8(IDS):c.388A>G (p.Thr130Ala)

Gene: IDS (iduronate 2-sulfatase; minus strand). Cytogenetic location: Xq28.
Variant type: single nucleotide variant.
Coding change: c.388A>G on transcript NM_000202.8 (MANE Select); coding-DNA position 388, A replaced by G.
Protein change: p.Thr130Ala; replaces threonine 130 with alanine.
Molecular consequence: missense variant. On other transcripts: non-coding transcript variant (1).
Genome position (GRCh38, 1-based): chrX:149,503,342, T>C on the plus strand (A>G on the coding strand, the complement: IDS is on the minus strand). VCF-style: chrX-149503342-T-C. GRCh37 (hg19) VCF-style: chrX-148584872-T-C.
Other names: c.118A>G, p.Thr40Ala (NM_001166550.4); c.388A>G, p.Thr130Ala (NM_006123.5); short protein forms T130A, T40A.
Identifiers: ClinVar variation 2807843 (VCV002807843.4), dbSNP rs2520895485, ClinGen allele CA414525751.

ClinVar aggregate classification (germline): Uncertain significance. Review status: criteria provided, multiple submitters, no conflicts (2 of 4 stars). 2 submissions from 2 submitters: Uncertain significance (2). Last evaluated 2024-05-13.

Conditions:
Mucopolysaccharidosis, MPS-II (MPS2). Also called: Hunter Syndrome; IDURONATE 2-SULFATASE DEFICIENCY; Mucopolysaccharidosis Type II; IDS deficiency; Sulfoiduronate sulfatase deficiency; SIDS deficiency. Identifiers: Orphanet 580, Orphanet 79388, MedGen C0026705, MONDO:0010674, OMIM 309900.

Submissions (2):

Women's Health and Genetics/Laboratory Corporation of America, LabCorp
Classification: Uncertain significance. Last evaluated: 2024-05-13. Review status: criteria provided, single submitter. Criteria: LabCorp Variant Classification Summary - May 2015. Collection method: clinical testing. Allele origin: germline.
Comment: Variant summary: IDS c.388A>G (p.Thr130Ala) results in a non-conservative amino acid change in the encoded protein sequence. Four of five in-silico tools predict a damaging effect of the variant on protein function. The frequency data for this variant in gnomAD is considered unreliable, as metrics indicate poor data quality at this position. To our knowledge, no occurrence of c.388A>G in individuals affected with Mucopolysaccharidosis Type II (Hunter Syndrome) and no experimental evidence demonstrating its impact on protein function have been reported. ClinVar contains an entry for this variant (Variation ID: 2807843). Based on the evidence outlined above, the variant was classified as uncertain significance.

Labcorp Genetics (formerly Invitae), Labcorp
Classification: Uncertain significance for Mucopolysaccharidosis, MPS-II. Last evaluated: 2023-07-25. Review status: criteria provided, single submitter. Criteria: Invitae Variant Classification Sherloc (09022015). Collection method: clinical testing. Allele origin: germline.
Comment: This variant is not present in population databases (gnomAD no frequency). In summary, the available evidence is currently insufficient to determine the role of this variant in disease. Therefore, it has been classified as a Variant of Uncertain Significance. This variant disrupts the p.Thr130 amino acid residue in IDS. Other variant(s) that disrupt this residue have been determined to be pathogenic (PMID: 21829674). This suggests that this residue is clinically significant, and that variants that disrupt this residue are likely to be disease-causing. Advanced modeling of protein sequence and biophysical properties (such as structural, functional, and spatial information, amino acid conservation, physicochemical variation, residue mobility, and thermodynamic stability) has been performed at Invitae for this missense variant, however the output from this modeling did not meet the statistical confidence thresholds required to predict the impact of this variant on IDS protein function. This variant has not been reported in the literature in individuals affected with IDS-related conditions. This sequence change replaces threonine, which is neutral and polar, with alanine, which is neutral and non-polar, at codon 130 of the IDS protein (p.Thr130Ala).

Literature cited by the submitters: PubMed 21829674 (cited by Labcorp Genetics (formerly Invitae), Labcorp).